The following is an entry in ClinVar:

NM_001080508.3(TBX18):c.1030T>G (p.Ser344Ala)

Gene: TBX18 (T-box transcription factor 18; minus strand). Cytogenetic location: 6q14.3.
Variant type: single nucleotide variant.
Coding change: c.1030T>G on transcript NM_001080508.3 (MANE Select); coding-DNA position 1030, T replaced by G.
Protein change: p.Ser344Ala; replaces serine 344 with alanine.
Molecular consequence: missense variant.
Genome position (GRCh38, 1-based): chr6:84,738,566, A>C on the plus strand (T>G on the coding strand, the complement: TBX18 is on the minus strand). VCF-style: chr6-84738566-A-C. GRCh37 (hg19) VCF-style: chr6-85448284-A-C.
Other names: short protein forms S344A.
Identifiers: ClinVar variation 2793837 (VCV002793837.3), dbSNP rs2481839565, ClinGen allele CA364895690.

ClinVar aggregate classification (germline): Uncertain significance (1 of 4 stars; one submission).

Submission:

Labcorp Genetics (formerly Invitae), Labcorp
Classification: Uncertain significance. Last evaluated: 2023-08-03. Review status: criteria provided, single submitter. Criteria: Invitae Variant Classification Sherloc (09022015). Collection method: clinical testing. Allele origin: germline.
Comment: Advanced modeling of protein sequence and biophysical properties (such as structural, functional, and spatial information, amino acid conservation, physicochemical variation, residue mobility, and thermodynamic stability) performed at Invitae indicates that this missense variant is not expected to disrupt TBX18 protein function. In summary, the available evidence is currently insufficient to determine the role of this variant in disease. Therefore, it has been classified as a Variant of Uncertain Significance. This variant has not been reported in the literature in individuals affected with TBX18-related conditions. This variant is not present in population databases (gnomAD no frequency). This sequence change replaces serine, which is neutral and polar, with alanine, which is neutral and non-polar, at codon 344 of the TBX18 protein (p.Ser344Ala).